The following is an entry in ClinVar:

ClinVar aggregate classification (germline): Conflicting classifications of pathogenicity. Review status: criteria provided, conflicting classifications (1 of 4 stars). 4 submissions from 4 submitters: Uncertain significance (1); Benign (1); Likely benign (2). Last evaluated 2025-09-30.

Conditions:
Retinal dystrophy. Also called: Inherited retinal dystrophy. Identifiers: Orphanet 71862, MedGen C0854723, MeSH D058499, MONDO:0019118, HP:0000556.
RP2-related disorder. Also called: RP2-related condition.

Allele frequency attached by ClinVar (database versions not stated): ExAC 0.00005.
gnomAD v4.1: 23 of 1,211,656 alleles (0.0019%); highest among the groups gnomAD compares: East Asian, 0.041%; no homozygotes.

Submissions (4):

PreventionGenetics, part of Exact Sciences
Classification: Likely benign for RP2-related condition. Last evaluated: 2025-09-30. Review status: criteria provided, single submitter. Criteria: ACMG Guidelines, 2015. Collection method: clinical testing. Allele origin: germline.
Comment: This variant is classified as likely benign based on ACMG/AMP sequence variant interpretation guidelines (Richards et al. 2015 PMID: 25741868, with internal and published modifications).

Labcorp Genetics (formerly Invitae), Labcorp
Classification: Benign. Last evaluated: 2024-01-04. Review status: criteria provided, single submitter. Criteria: Invitae Variant Classification Sherloc (09022015). Collection method: clinical testing. Allele origin: germline.

Dept Of Ophthalmology, Nagoya University
Classification: Uncertain significance for Retinal dystrophy. Last evaluated: 2023-10-01. Review status: criteria provided, single submitter. Criteria: Submitter's publication. Collection method: research. Allele origin: germline. Affected: yes.

Blueprint Genetics
Classification: Likely benign. Last evaluated: 2021-03-17. Review status: criteria provided, single submitter. Criteria: ACMG Guidelines, 2015. Collection method: clinical testing. Allele origin: germline.

NM_006915.3(RP2):c.612C>T (p.Thr204=)

Gene: RP2 (RP2 activator of ARL3 GTPase; plus strand). Cytogenetic location: Xp11.3.
Variant type: single nucleotide variant.
Coding change: c.612C>T on transcript NM_006915.3 (MANE Select); coding-DNA position 612, C replaced by T.
Protein change: p.Thr204=; no amino-acid change (threonine 204 retained).
Molecular consequence: synonymous variant.
Genome position (GRCh38, 1-based): chrX:46,853,985, C>T. VCF-style: chrX-46853985-C-T. GRCh37 (hg19) VCF-style: chrX-46713420-C-T.
Other names: c.612C>T (NM_006915.2).
Identifiers: ClinVar variation 3002752 (VCV003002752.6), dbSNP rs781941648, ClinGen allele CA10394224.
Genomic context (GRCh38, chrX:46,853,985, plus strand): 5'-CAACTGGAGCCTTCTTCCAGAAGATGCTGTGGTTCAGGACTATGTTCCTATACCTACTAC[C>T]GAAGAGCTCAAAGCTGTTCGTGTTTCCACAGAAGCCAATAGAAGCATTGTTCCAATATCC-3'
Protein context (NP_008846.2, residues 194-214): VVQDYVPIPT[Thr204=]EELKAVRVST